The following is an entry in ClinVar:

ClinVar aggregate classification (germline): Uncertain significance (1 of 4 stars; one submission).

Conditions:
Peroxisome biogenesis disorder. Identifiers: Orphanet 79189, MedGen C1832200, MONDO:0019234. Disease mechanism: loss of function.

Submission:

Labcorp Genetics (formerly Invitae), Labcorp
Classification: Uncertain significance for Peroxisome biogenesis disorder. Last evaluated: 2022-09-27. Review status: criteria provided, single submitter. Criteria: Invitae Variant Classification Sherloc (09022015). Collection method: clinical testing. Allele origin: germline.
Comment: A copy number gain of the genomic region encompassing the full coding sequence of the PEX6 gene has been identified. The boundaries of this event are unknown as they extend beyond the assayed region for this gene and therefore may encompass additional genes. As the precise location of this event is unknown, it may be in tandem or it may be located elsewhere in the genome. This variant has not been reported in the literature in individuals affected with PEX6-related conditions. In summary, the available evidence is currently insufficient to determine the role of this variant in disease. Therefore, it has been classified as a Variant of Uncertain Significance.

NC_000006.11:g.(?_42928506)_(42952462_?)dup

Genes: PPP2R5D (protein phosphatase 2 regulatory subunit B'delta; plus strand), PEX6 (peroxisomal biogenesis factor 6; minus strand), GNMT (glycine N-methyltransferase; plus strand). Cytogenetic location: 6p21.1.
Variant type: Duplication.
Identifiers: ClinVar variation 1019420 (VCV001019420.7).